The following is an entry in ClinVar:

NM_007294.4(BRCA1):c.3960T>G (p.Ser1320=)

Genes: BRCA1 (BRCA1 DNA repair associated; minus strand), LOC126862571 (BRD4-independent group 4 enhancer GRCh37_chr17:41243136-41244335; plus strand). Cytogenetic location: 17q21.31.
Variant type: single nucleotide variant.
Coding change: c.3960T>G on transcript NM_007294.4 (MANE Select); coding-DNA position 3960, T replaced by G.
Protein change: p.Ser1320=; no amino-acid change (serine 1320 retained).
Molecular consequence: synonymous variant. On other transcripts: intron variant (135).
Genome position (GRCh38, 1-based): chr17:43,091,571, A>C on the plus strand (T>G on the coding strand, the complement: BRCA1 is on the minus strand). VCF-style: chr17-43091571-A-C. GRCh37 (hg19) VCF-style: chr17-41243588-A-C.
Other names: c.3960T>G, p.Ser1320= (NM_001407641.1, NM_001407642.1, NM_001407652.1 and 30 more transcripts); c.3957T>G, p.Ser1319= (NM_001407644.1, NM_001407645.1, NM_001407860.1 and 22 more transcripts); c.3951T>G, p.Ser1317= (NM_001407646.1, NM_001407647.1); c.3837T>G, p.Ser1279= (NM_001407648.1, NM_001407664.1, NM_001407665.1 and 19 more transcripts); c.3834T>G, p.Ser1278= (NM_001407649.1, NM_001407670.1, NM_001407671.1 and 11 more transcripts); c.3882T>G, p.Ser1294= (NM_001407653.1, NM_001407654.1, NM_001407655.1 and 4 more transcripts); c.3879T>G, p.Ser1293= (NM_001407659.1, NM_001407660.1, NM_001407661.1 and 1 more transcripts); c.3819T>G, p.Ser1273= (NM_001407692.1, NM_001407694.1, NM_001407695.1 and 29 more transcripts); and 41 more.
Identifiers: ClinVar variation 3073714 (VCV003073714.1), dbSNP rs1597860243, ClinGen allele CA500232099.

ClinVar aggregate classification (germline): Likely benign (1 of 4 stars; one submission).

Conditions:
Breast-ovarian cancer, familial, susceptibility to, 1 (BROVCA1). Also called: BRCA1 Hereditary Breast and Ovarian Cancer; OVARIAN CANCER, SUSCEPTIBILITY TO. Identifiers: Orphanet 145, MedGen C2676676, MONDO:0011450, OMIM 604370. Disease mechanism: loss of function.

Submission:

All of Us Research Program, National Institutes of Health
Classification: Likely benign for Breast-ovarian cancer, familial, susceptibility to, 1. Last evaluated: 2023-10-06. Review status: criteria provided, single submitter. Criteria: ACMG Guidelines, 2015. Collection method: clinical testing. Allele origin: germline. Inheritance: Autosomal dominant inheritance. Observed: 1 variant allele, 1 heterozygote.
Comment: This study involves interpretation of variants in research participants for the purpose of population health screening. Participant phenotype was not available at the time of variant classification. Additional details can be found in publication PMID: 35346344, PMCID: PMC8962531